The following is an entry in ClinVar:

ClinVar aggregate classification (germline): Uncertain significance. Review status: criteria provided, multiple submitters, no conflicts (2 of 4 stars). 2 submissions from 2 submitters: Uncertain significance (2). Last evaluated 2025-03-31.

Conditions:
Melanoma, cutaneous malignant, susceptibility to, 5. Also called: Cutaneous malignant melanoma 5. Identifiers: Orphanet 618, MedGen C2751295, MONDO:0013133, OMIM 613099.

Submissions (2):

Labcorp Genetics (formerly Invitae), Labcorp
Classification: Uncertain significance for Melanoma, cutaneous malignant, susceptibility to, 5. Last evaluated: 2025-03-31. Review status: criteria provided, single submitter. Criteria: Invitae Variant Classification Sherloc (09022015). Collection method: clinical testing. Allele origin: germline.
Comment: This sequence change replaces asparagine, which is neutral and polar, with tyrosine, which is neutral and polar, at codon 56 of the MC1R protein (p.Asn56Tyr). This variant is present in population databases (rs756191158, gnomAD 0.01%). This variant has not been reported in the literature in individuals affected with MC1R-related conditions. Invitae Evidence Modeling of protein sequence and biophysical properties (such as structural, functional, and spatial information, amino acid conservation, physicochemical variation, residue mobility, and thermodynamic stability) indicates that this missense variant is expected to disrupt MC1R protein function with a positive predictive value of 80%. In summary, the available evidence is currently insufficient to determine the role of this variant in disease. Therefore, it has been classified as a Variant of Uncertain Significance.

Ambry Genetics
Classification: Uncertain significance. Last evaluated: 2025-02-27. Review status: criteria provided, single submitter. Criteria: Ambry Variant Classification Scheme 2023. Collection method: clinical testing. Allele origin: germline.
Comment: The p.N56Y variant (also known as c.166A>T), located in coding exon 1 of the MC1R gene, results from an A to T substitution at nucleotide position 166. The asparagine at codon 56 is replaced by tyrosine, an amino acid with dissimilar properties. This amino acid position is conserved. In addition, this alteration is predicted to be deleterious by in silico analysis. Based on the available evidence, the clinical significance of this variant remains unclear.

NM_002386.4(MC1R):c.166A>T (p.Asn56Tyr)

Gene: MC1R (melanocortin 1 receptor; plus strand). Cytogenetic location: 16q24.3.
Variant type: single nucleotide variant.
Coding change: c.166A>T on transcript NM_002386.4 (MANE Select); coding-DNA position 166, A replaced by T.
Protein change: p.Asn56Tyr; replaces asparagine 56 with tyrosine.
Molecular consequence: missense variant.
Genome position (GRCh38, 1-based): chr16:89,919,424, A>T. VCF-style: chr16-89919424-A-T. GRCh37 (hg19) VCF-style: chr16-89985832-A-T.
Other names: short protein forms N56Y.
Identifiers: ClinVar variation 3871132 (VCV003871132.2).